The following is an entry in ClinVar:

NM_001382241.1(TNPO2):c.433-12del

Gene: TNPO2 (transportin 2; minus strand). Cytogenetic location: 19p13.13.
Variant type: Deletion.
Coding change: c.433-12del on transcript NM_001382241.1 (MANE Select); 12 bases into the intron before coding-DNA position 433, one base deleted (C; older notation c.433-12delC).
Molecular consequence: intron variant.
Genome position (GRCh38, 1-based): chr19:12,715,550, G deleted on the plus strand (C on the coding strand, the reverse complement: TNPO2 is on the minus strand); the first of 4 consecutive G bases (chr19:12,715,550-12,715,553); deleting any one gives the same sequence. VCF-style (leftmost placement, unchanged base first): chr19-12715549-AG-A. GRCh37 (hg19) VCF-style: chr19-12826363-AG-A.
Other names: c.433-12del (NM_001382237.1, NM_001382240.1, NM_001382238.1 and 7 more transcripts); c.433-12delC (NM_001382241.1).
Identifiers: ClinVar variation 3768924 (VCV003768924.1).

ClinVar aggregate classification (germline): Likely benign (1 of 4 stars; one submission).

Submission:

Women's Health and Genetics/Laboratory Corporation of America, LabCorp
Classification: Likely benign. Last evaluated: 2025-02-19. Review status: criteria provided, single submitter. Criteria: LabCorp Variant Classification Summary - May 2015. Collection method: clinical testing. Allele origin: germline.
Comment: Variant summary: TNPO2 c.433-12delC alters a nucleotide located at a position not widely known to affect splicing. Consensus agreement among computation tools predict no significant impact on normal splicing. However, these predictions have yet to be confirmed by functional studies. The variant was absent in 248918 control chromosomes. The available data on variant occurrences in the general population are insufficient to allow any conclusion about variant significance. To our knowledge, no occurrence of c.433-12delC in individuals affected with Intellectual Developmental Disorder With Hypotonia, Impaired Speech, And Dysmorphic Facies and no experimental evidence demonstrating its impact on protein function have been reported. No submitters have cited clinical-significance assessments for this variant to ClinVar. Based on the evidence outlined above, the variant was classified as likely benign.